The following is an entry in ClinVar:

NM_001113491.2(SEPTIN9):c.*1233C>T

Gene: SEPTIN9 (septin 9; plus strand). Cytogenetic location: 17q25.3.
Variant type: single nucleotide variant.
Coding change: c.*1233C>T on transcript NM_001113491.2 (MANE Select); 1233 bases downstream of the stop codon, C replaced by T.
Molecular consequence: 3 prime UTR variant.
Genome position (GRCh38, 1-based): chr17:77,499,891, C>T. VCF-style: chr17-77499891-C-T. GRCh37 (hg19) VCF-style: chr17-75495973-C-T.
Other names: c.*1233C>T (NM_001113492.2, NM_001113493.2, NM_001113494.1 and 7 more transcripts).
Identifiers: ClinVar variation 325609 (VCV000325609.5), dbSNP rs77195002, ClinGen allele CA10646980.

ClinVar aggregate classification (germline): Benign (1 of 4 stars; one submission).

Conditions:
Amyotrophic neuralgia (HNA). Also called: AMYOTROPHY, HEREDITARY NEURALGIC; Hereditary Brachial Plexus Neuropathy; Neuritis with Brachial Predilection; AMYOTROPHY, HEREDITARY NEURALGIC, WITH PREDILECTION FOR BRACHIAL PLEXUS. Identifiers: Orphanet 2901, MedGen C1834304, MONDO:0008076, OMIM 162100.

Allele frequency attached by ClinVar (database versions not stated): gnomAD exomes 0.00228; gnomAD 0.01403 and 0.01495; 1000 Genomes Project 0.01478; 1000 Genomes Project 30x 0.01530; TOPMed 0.01551.
gnomAD v4.1: 2,430 of 281,512 alleles (0.86%); highest among the groups gnomAD compares: African/African-American, 4.8%; 58 homozygotes.

Submission:

Illumina Laboratory Services, Illumina
Classification: Benign for Amyotrophy, hereditary neuralgic. Last evaluated: 2018-01-12. Review status: criteria provided, single submitter. Criteria: ICSL Variant Classification Criteria 13 December 2019. Collection method: clinical testing. Allele origin: germline.
Comment: This variant was observed in the ICSL laboratory as part of a predisposition screen in an ostensibly healthy population. It had not been previously curated by ICSL or reported in the Human Gene Mutation Database (HGMD: prior to June 1st, 2018), and was therefore a candidate for classification through an automated scoring system. Utilizing variant allele frequency, disease prevalence and penetrance estimates, and inheritance mode, an automated score was calculated to assess if this variant is too frequent to cause the disease. Based on the score and internal cut-off values, a variant classified as benign is not then subjected to further curation. The score for this variant resulted in a classification of benign for this disease.